The following is an entry in ClinVar:

ClinVar aggregate classification (germline): Uncertain significance (1 of 4 stars; one submission).

Conditions:
Ataxia-telangiectasia syndrome (AT). Also called: Ataxia-telangiectasia, complementation group D; AT, COMPLEMENTATION GROUP C; ATAXIA-TELANGIECTASIA, COMPLEMENTATION GROUP A; ATAXIA-TELANGIECTASIA, FRESNO VARIANT; Ataxia-telangiectasia; Ataxia-telangiectasia, complementation group E. Identifiers: Orphanet 100, MedGen C0004135, MONDO:0008840, OMIM 208900.

Submission:

Labcorp Genetics (formerly Invitae), Labcorp
Classification: Uncertain significance for Ataxia-telangiectasia syndrome. Last evaluated: 2024-09-03. Review status: criteria provided, single submitter. Criteria: Invitae Variant Classification Sherloc (09022015). Collection method: clinical testing. Allele origin: germline.
Comment: This sequence change falls in intron 39 of the ATM gene. It does not directly change the encoded amino acid sequence of the ATM protein. This variant is not present in population databases (gnomAD no frequency). This variant has not been reported in the literature in individuals affected with ATM-related conditions. Algorithms developed to predict the effect of sequence changes on RNA splicing suggest that this variant may disrupt the consensus splice site. In summary, the available evidence is currently insufficient to determine the role of this variant in disease. Therefore, it has been classified as a Variant of Uncertain Significance.

NM_000051.4(ATM):c.5919-16T>A

Genes: ATM (ATM serine/threonine kinase; plus strand), C11orf65 (chromosome 11 open reading frame 65; minus strand). Cytogenetic location: 11q22.3.
Variant type: single nucleotide variant.
Coding change: c.5919-16T>A on transcript NM_000051.4 (MANE Select); 16 bases into the intron before coding-DNA position 5919, T replaced by A.
Molecular consequence: intron variant.
Genome position (GRCh38, 1-based): chr11:108,312,395, T>A. VCF-style: chr11-108312395-T-A. GRCh37 (hg19) VCF-style: chr11-108183122-T-A.
Other names: c.5919-16T>A (NM_001351834.2); c.641-3324A>T (NM_001330368.2); c.*39-3324A>T (NM_001351110.2).
Identifiers: ClinVar variation 3664319 (VCV003664319.2).
Genomic context (GRCh38, chr11:108,312,395, plus strand): 5'-AAAGTCTATAGTATATGTATTCAGGAGCTTCCAAATAGTATGTTCTCATTAAAAGAGGTG[T>A]TCTTGTGACAAACAGAAGTCTTGCATTTGAAGAAGGAAGCCAGAGTACAACTATTTCTAG-3'